The following is an entry in ClinVar:

NM_003072.5(SMARCA4):c.4932C>T (p.Ser1644=)

Gene: SMARCA4 (SWI/SNF related BAF chromatin remodeling complex subunit ATPase 4; plus strand). Cytogenetic location: 19p13.2.
Variant type: single nucleotide variant.
Coding change: c.4932C>T on transcript NM_003072.5 (MANE Select); coding-DNA position 4932, C replaced by T.
Protein change: p.Ser1644=; no amino-acid change (serine 1644 retained).
Molecular consequence: synonymous variant. On other transcripts: non-coding transcript variant (1).
Genome position (GRCh38, 1-based): chr19:11,061,804, C>T. VCF-style: chr19-11061804-C-T. GRCh37 (hg19) VCF-style: chr19-11172480-C-T.
Other names: c.4932C>T, p.Ser1644= (NM_001128844.3); c.4842C>T, p.Ser1614= (NM_001128845.2); c.4839C>T, p.Ser1613= (NM_001128846.2); c.4833C>T, p.Ser1611= (NM_001128847.4, NM_001374457.1); c.4830C>T, p.Ser1610= (NM_001128848.2); c.5028C>T, p.Ser1676= (NM_001128849.3, NM_001387283.1).
Identifiers: ClinVar variation 238504 (VCV000238504.42), dbSNP rs139335250, ClinGen allele CA9204922.
Genomic context (GRCh38, chr19:11,061,804, plus strand): 5'-GGTGGCCAACGCACACTCTCTCCTCCTGTCCCCTCTCCAGGACCGCTCAGGAAGTGGCAG[C>T]GAAGAAGACTGAGCCCCGACATTCCAGTCTCGACCCCGAGCCCCTCGTTCCAGAGCTGAG-3'
Protein context (NP_003063.2, residues 1634-1647): EQEEDRSGSG[Ser1644=]EED

ClinVar aggregate classification (germline): Benign/Likely benign. Review status: criteria provided, multiple submitters, no conflicts (2 of 4 stars). 8 submissions from 8 submitters: Benign (1); Likely benign (6). 1 of the submissions does not count toward it. Last evaluated 2026-07-27.

Conditions:
Hereditary cancer-predisposing syndrome. Also called: Hereditary Cancer Syndrome; Tumor predisposition; Hereditary neoplastic syndrome; Neoplastic Syndromes, Hereditary. Identifiers: Orphanet 140162, MedGen C0027672, MeSH D009386, MONDO:0015356.
SMARCA4-related disorder. Also called: SMARCA4-related condition.
Rhabdoid tumor predisposition syndrome 2 (RTPS2). Identifiers: Orphanet 231108, Orphanet 69077, MedGen C2750074, MONDO:0013224, OMIM 613325.

Allele frequency attached by ClinVar (database versions not stated): ESP Exome Variant Server 0.00015; ExAC 0.00015; gnomAD 0.00018 and 0.00019; 1000 Genomes Project 0.00020; 1000 Genomes Project 30x 0.00016; gnomAD exomes 0.00011 and 0.00014; TOPMed 0.00021.
gnomAD v4.1: 229 of 1,613,976 alleles (0.014%); highest among the groups gnomAD compares: African/African-American, 0.04%; no homozygotes.

Submissions (8):

Myriad Genetics, Inc.
Classification: Benign for Rhabdoid tumor predisposition syndrome 2. Last evaluated: 2026-07-27. Review status: criteria provided, single submitter. Criteria: Myriad Autosomal Dominant, Autosomal Recessive and X-Linked Classification Criteria (2023). Collection method: clinical testing. Allele origin: unknown.
Comment: This variant is considered benign. This variant is a silent/synonymous amino acid change and it is not expected to impact splicing.

CeGaT Center for Human Genetics Tuebingen
Classification: Likely benign. Last evaluated: 2026-06-01. Review status: criteria provided, single submitter. Criteria: CeGaT Center For Human Genetics Tuebingen Variant Classification Criteria Version 2. Collection method: clinical testing. Allele origin: germline. Affected: yes. Observed: 5 variant alleles.
Comment: SMARCA4: BP4, BP7

Labcorp Genetics (formerly Invitae), Labcorp
Classification: Likely benign for Rhabdoid tumor predisposition syndrome 2. Last evaluated: 2026-01-31. Review status: criteria provided, single submitter. Criteria: Invitae Variant Classification Sherloc (09022015). Collection method: clinical testing. Allele origin: germline.

Blueprint Genetics
Classification: Likely benign. Last evaluated: 2024-08-13. Review status: criteria provided, single submitter. Criteria: ACMG Guidelines, 2015. Collection method: clinical testing. Allele origin: germline.

Sema4
Classification: Likely benign for Hereditary cancer-predisposing syndrome. Last evaluated: 2021-10-19. Review status: criteria provided, single submitter. Criteria: Sema4 Curation Guidelines. Collection method: curation. Allele origin: germline.

GeneDx
Classification: Likely benign. Last evaluated: 2021-01-05. Review status: criteria provided, single submitter. Criteria: GeneDx Variant Classification Process June 2021. Collection method: clinical testing. Allele origin: germline. Affected: yes.

Ambry Genetics
Classification: Likely benign for Hereditary cancer-predisposing syndrome. Last evaluated: 2015-06-19. Review status: criteria provided, single submitter. Criteria: Ambry Variant Classification Scheme 2023. Collection method: clinical testing. Allele origin: germline.

PreventionGenetics, part of Exact Sciences
Classification: Likely benign for SMARCA4-related condition. Last evaluated: 2024-06-05. Review status: no assertion criteria provided. Collection method: clinical testing. Allele origin: germline. Not counted in ClinVar's aggregate classification.
Comment: This variant is classified as likely benign based on ACMG/AMP sequence variant interpretation guidelines (Richards et al. 2015 PMID: 25741868, with internal and published modifications).